The following is an entry in ClinVar:

NM_003907.3(EIF2B5):c.235A>C (p.Thr79Pro)

Gene: EIF2B5 (eukaryotic translation initiation factor 2B subunit epsilon; plus strand). Cytogenetic location: 3q27.1.
Variant type: single nucleotide variant.
Coding change: c.235A>C on transcript NM_003907.3 (MANE Select); coding-DNA position 235, A replaced by C.
Protein change: p.Thr79Pro; replaces threonine 79 with proline.
Molecular consequence: missense variant.
Genome position (GRCh38, 1-based): chr3:184,136,651, A>C. VCF-style: chr3-184136651-A-C. GRCh37 (hg19) VCF-style: chr3-183854439-A-C.
Other names: short protein forms T79P.
Identifiers: ClinVar variation 3385158 (VCV003385158.1).

ClinVar aggregate classification (germline): Uncertain significance (1 of 4 stars; one submission).

Submission:

Women's Health and Genetics/Laboratory Corporation of America, LabCorp
Classification: Uncertain significance. Last evaluated: 2024-10-22. Review status: criteria provided, single submitter. Criteria: LabCorp Variant Classification Summary - May 2015. Collection method: clinical testing. Allele origin: germline.
Comment: Variant summary: EIF2B5 c.235A>C (p.Thr79Pro) results in a non-conservative amino acid change located in the Translation initiation factor eIF-2B subunit epsilon, N-terminal domain of the encoded protein sequence. Five of five in-silico tools predict a damaging effect of the variant on protein function. The variant was absent in 251478 control chromosomes. c.235A>C has been reported in the literature in individuals affected with Leukoencephalopathy With Vanishing White Matter (example: Deng_2021). These data indicate that the variant may be associated with disease. To our knowledge, no experimental evidence demonstrating an impact on protein function has been reported. The following publication has been ascertained in the context of this evaluation (PMID: 34745209). No submitters have cited clinical-significance assessments for this variant to ClinVar. Based on the evidence outlined above, the variant was classified as VUS-possibly pathogenic.

Literature cited by the submitters: PubMed 34745209.